The following is an entry in ClinVar:

NM_001563.4(IMPG1):c.1469G>A (p.Ser490Asn)

Gene: IMPG1 (interphotoreceptor matrix proteoglycan 1; minus strand). Cytogenetic location: 6q14.1.
Variant type: single nucleotide variant.
Coding change: c.1469G>A on transcript NM_001563.4 (MANE Select); coding-DNA position 1469, G replaced by A.
Protein change: p.Ser490Asn; replaces serine 490 with asparagine.
Molecular consequence: missense variant.
Genome position (GRCh38, 1-based): chr6:75,950,917, C>T on the plus strand (G>A on the coding strand, the complement: IMPG1 is on the minus strand). VCF-style: chr6-75950917-C-T. GRCh37 (hg19) VCF-style: chr6-76660634-C-T.
Other names: c.1469G>A (NM_001563.2); c.1235G>A, p.Ser412Asn (NM_001282368.2); short protein forms S412N, S490N.
Identifiers: ClinVar variation 942001 (VCV000942001.9), dbSNP rs777226055, ClinGen allele CA3898111.

ClinVar aggregate classification (germline): Uncertain significance. Review status: criteria provided, multiple submitters, no conflicts (2 of 4 stars). 3 submissions from 3 submitters: Uncertain significance (3). Last evaluated 2026-04-24.

Conditions:
IMPG1-related disorder. Also called: IMPG1-related condition.

Allele frequency attached by ClinVar (database versions not stated): gnomAD exomes 0.00002 and 0.00006; TOPMed 0.00002; gnomAD 0.00003; ExAC 0.00005.
gnomAD v4.1: 43 of 1,613,936 alleles (0.0027%); highest among the groups gnomAD compares: Middle Eastern, 0.12%; no homozygotes.

Submissions (3):

PreventionGenetics, part of Exact Sciences
Classification: Uncertain significance for IMPG1-related condition. Last evaluated: 2026-04-24. Review status: criteria provided, single submitter. Criteria: ACMG Guidelines, 2015. Collection method: clinical testing. Allele origin: germline.
Comment: The IMPG1 c.1469G>A variant is predicted to result in the amino acid substitution p.Ser490Asn. To our knowledge, this variant has not been reported in the literature. This variant is reported in 0.023% of alleles in individuals of South Asian descent in gnomAD. At this time, the clinical significance of this variant is uncertain due to the absence of conclusive functional and genetic evidence.

Ambry Genetics
Classification: Uncertain significance. Last evaluated: 2025-09-10. Review status: criteria provided, single submitter. Criteria: Ambry Variant Classification Scheme 2023. Collection method: clinical testing. Allele origin: germline.

Labcorp Genetics (formerly Invitae), Labcorp
Classification: Uncertain significance. Last evaluated: 2025-03-04. Review status: criteria provided, single submitter. Criteria: Invitae Variant Classification Sherloc (09022015). Collection method: clinical testing. Allele origin: germline.
Comment: This sequence change replaces serine, which is neutral and polar, with asparagine, which is neutral and polar, at codon 490 of the IMPG1 protein (p.Ser490Asn). This variant is present in population databases (rs777226055, gnomAD 0.02%). This variant has not been reported in the literature in individuals affected with IMPG1-related conditions. ClinVar contains an entry for this variant (Variation ID: 942001). An algorithm developed to predict the effect of missense changes on protein structure and function (PolyPhen-2) suggests that this variant is likely to be tolerated. In summary, the available evidence is currently insufficient to determine the role of this variant in disease. Therefore, it has been classified as a Variant of Uncertain Significance.